The following is an entry in ClinVar:

NM_001048174.2(MUTYH):c.236A>G (p.Glu79Gly)

Gene: MUTYH (mutY DNA glycosylase; minus strand). Cytogenetic location: 1p34.1.
Variant type: single nucleotide variant.
Coding change: c.236A>G on transcript NM_001048174.2 (MANE Select); coding-DNA position 236, A replaced by G.
Protein change: p.Glu79Gly; replaces glutamic acid 79 with glycine.
Molecular consequence: missense variant. On other transcripts: 5 prime UTR variant (4), non-coding transcript variant (2).
Genome position (GRCh38, 1-based): chr1:45,333,441, T>C on the plus strand (A>G on the coding strand, the complement: MUTYH is on the minus strand). VCF-style: chr1-45333441-T-C. GRCh37 (hg19) VCF-style: chr1-45799113-T-C.
Other names: c.-41A>G (NM_001293196.2, NM_001293192.2); c.-36A>G (NM_001350650.2, NM_001350651.2); c.311A>G, p.Glu104Gly (NM_012222.3); c.236A>G, p.Glu79Gly (NM_001048171.2, NM_001048173.2, NM_001293195.2); c.239A>G, p.Glu80Gly (NM_001048172.2); c.320A>G, p.Glu107Gly (NM_001128425.2); c.281A>G, p.Glu94Gly (NM_001293190.2); c.269A>G, p.Glu90Gly (NM_001293191.2); short protein forms E107G, E104G, E79G, E94G, E90G, E80G.
Identifiers: ClinVar variation 406854 (VCV000406854.14), dbSNP rs1060501339, ClinGen allele CA16610200.
Genomic context (GRCh38, chr1:45,333,441, plus strand): 5'-CCACCCACTGTCCCTGCTCCTCGCCTGCCTACCCGTCTTCTCCATGGTAGGTCCCGTTTC[T>C]CTTGGTCGTACCAGCTTAGCAGGCTCCCTCGGAAGGCTGTGACTTCAGCTACGTCTCTGA-3'
Protein context (NP_001041639.1, residues 69-89): RGSLLSWYDQ[Glu79Gly]KRDLPWRRRA

ClinVar aggregate classification (germline): Conflicting classifications of pathogenicity. Review status: criteria provided, conflicting classifications (1 of 4 stars). 2 submissions from 2 submitters: Uncertain significance (1); Likely benign (1). Last evaluated 2025-09-09.

Conditions:
Hereditary cancer-predisposing syndrome. Also called: Tumor predisposition; Hereditary Cancer Syndrome; Hereditary neoplastic syndrome; Neoplastic Syndromes, Hereditary. Identifiers: Orphanet 140162, MedGen C0027672, MeSH D009386, MONDO:0015356.
Familial adenomatous polyposis 2. Also called: COLORECTAL ADENOMATOUS POLYPOSIS, AUTOSOMAL RECESSIVE; MUTYH Polyposis; MUTYH-associated polyposis; MUTYH-related attenuated familial adenomatous polyposis; Adenomas, multiple colorectal; ADENOMAS, MULTIPLE COLORECTAL, AUTOSOMAL RECESSIVE. Identifiers: Orphanet 220460, Orphanet 247798, MedGen C3272841, MONDO:0012041, OMIM 608456.

Submissions (2):

Ambry Genetics
Classification: Likely benign for Hereditary cancer-predisposing syndrome. Last evaluated: 2025-09-09. Review status: criteria provided, single submitter. Criteria: Ambry Variant Classification Scheme 2023. Collection method: clinical testing. Allele origin: germline.

Labcorp Genetics (formerly Invitae), Labcorp
Classification: Uncertain significance for Familial adenomatous polyposis 2. Last evaluated: 2023-06-06. Review status: criteria provided, single submitter. Criteria: Invitae Variant Classification Sherloc (09022015). Collection method: clinical testing. Allele origin: germline.
Comment: This sequence change replaces glutamic acid, which is acidic and polar, with glycine, which is neutral and non-polar, at codon 107 of the MUTYH protein (p.Glu107Gly). This variant is not present in population databases (gnomAD no frequency). This variant has not been reported in the literature in individuals affected with MUTYH-related conditions. ClinVar contains an entry for this variant (Variation ID: 406854). An algorithm developed to predict the effect of missense changes on protein structure and function (PolyPhen-2) suggests that this variant is likely to be tolerated. In summary, the available evidence is currently insufficient to determine the role of this variant in disease. Therefore, it has been classified as a Variant of Uncertain Significance.